The following is an entry in ClinVar:

ClinVar aggregate classification (germline): Likely pathogenic (1 of 4 stars; one submission).

Submission:

GeneDx
Classification: Likely pathogenic. Last evaluated: 2016-03-24. Review status: criteria provided, single submitter. Criteria: GeneDx Variant Classification (06012015). Collection method: clinical testing. Allele origin: germline. Affected: yes.
Comment: The H279R variant in the RNF113A gene has not been reported previously as a pathogenic variant, nor as a benign variant, to our knowledge. The H279R variant was not observed in approximately 6,500 individuals of European and African American ancestry in the NHLBI Exome Sequencing Project, indicating it is not a common benign variant in these populations. The H279R variant is a conservative amino acid substitution, which is not likely to impact secondary protein structure as these residues share similar properties. This substitution occurs at a position that is conserved across species. In silico analysis predicts this variant is probably damaging to the protein structure/function. Therefore, we interpret H279R as a likely pathogenic variant.

NM_006978.3(RNF113A):c.836A>G (p.His279Arg)

Gene: RNF113A (ring finger protein 113A; minus strand). Cytogenetic location: Xq24.
Variant type: single nucleotide variant.
Coding change: c.836A>G on transcript NM_006978.3 (MANE Select); coding-DNA position 836, A replaced by G.
Protein change: p.His279Arg; replaces histidine 279 with arginine.
Molecular consequence: missense variant.
Genome position (GRCh38, 1-based): chrX:119,870,778, T>C on the plus strand (A>G on the coding strand, the complement: RNF113A is on the minus strand). VCF-style: chrX-119870778-T-C. GRCh37 (hg19) VCF-style: chrX-119004741-T-C.
Other names: short protein forms H279R.
Identifiers: ClinVar variation 420812 (VCV000420812.2), dbSNP rs1064794718, ClinGen allele CA16621189.